The following is an entry in ClinVar:

ClinVar aggregate classification (germline): Uncertain significance. Review status: criteria provided, multiple submitters, no conflicts (2 of 4 stars). 3 submissions from 3 submitters: Uncertain significance (3). Last evaluated 2025-12-10.

Conditions:
Inborn genetic diseases. Identifiers: MedGen C0950123, MeSH D030342.
Wilson disease (WND). Also called: Wilson's disease. Identifiers: Orphanet 905, MedGen C0019202, MONDO:0010200, OMIM 277900. Disease mechanism: loss of function.

Submissions (3):

Dasa
Classification: Uncertain significance for Wilson disease. Last evaluated: 2025-12-10. Review status: criteria provided, single submitter. Criteria: DASA Assertion Criteria. Collection method: clinical testing. Allele origin: germline.
Comment: NM_000053.4(ATP7B):c.604A>G (p.Asn202Asp) is a missense variant that results in the substitution of asparagine with aspartic acid. This variant has been observed in affected individuals with ATP7B-related disorders. Also, this variant is rare in population databases. The currently available literature and clinical evidence are not sufficient to establish a definitive association between this variant and the reported condition. Therefore, this variant is classified as a variant of uncertain significance.

Ambry Genetics
Classification: Uncertain significance for Inborn genetic diseases. Last evaluated: 2023-01-18. Review status: criteria provided, single submitter. Criteria: Ambry Variant Classification Scheme 2023. Collection method: clinical testing. Allele origin: germline.

Labcorp Genetics (formerly Invitae), Labcorp
Classification: Uncertain significance for Wilson disease. Last evaluated: 2021-09-01. Review status: criteria provided, single submitter. Criteria: Invitae Variant Classification Sherloc (09022015). Collection method: clinical testing. Allele origin: germline.
Comment: This sequence change replaces asparagine with aspartic acid at codon 202 of the ATP7B protein (p.Asn202Asp). The asparagine residue is weakly conserved and there is a small physicochemical difference between asparagine and aspartic acid. This variant is not present in population databases (ExAC no frequency). This variant has not been reported in the literature in individuals affected with ATP7B-related conditions. Advanced modeling of protein sequence and biophysical properties (such as structural, functional, and spatial information, amino acid conservation, physicochemical variation, residue mobility, and thermodynamic stability) performed at Invitae indicates that this missense variant is not expected to disrupt ATP7B protein function. In summary, the available evidence is currently insufficient to determine the role of this variant in disease. Therefore, it has been classified as a Variant of Uncertain Significance.

NM_000053.4(ATP7B):c.604A>G (p.Asn202Asp)

Gene: ATP7B (ATPase copper transporting beta; minus strand). Cytogenetic location: 13q14.3.
Variant type: single nucleotide variant.
Coding change: c.604A>G on transcript NM_000053.4 (MANE Select); coding-DNA position 604, A replaced by G.
Protein change: p.Asn202Asp; replaces asparagine 202 with aspartic acid.
Molecular consequence: missense variant.
Genome position (GRCh38, 1-based): chr13:51,974,616, T>C on the plus strand (A>G on the coding strand, the complement: ATP7B is on the minus strand). VCF-style: chr13-51974616-T-C. GRCh37 (hg19) VCF-style: chr13-52548752-T-C.
Other names: c.604A>G (NM_000053.3); c.604A>G, p.Asn202Asp (NM_001005918.3, NM_001243182.2, NM_001330578.2 and 1 more transcripts); short protein forms N202D.
Identifiers: ClinVar variation 1006285 (VCV001006285.6), dbSNP rs1952013968, ClinGen allele CA388042377.